The following is an entry in ClinVar:

ClinVar aggregate classification (germline): Uncertain significance. Review status: criteria provided, multiple submitters, no conflicts (2 of 4 stars). 2 submissions from 2 submitters: Uncertain significance (2). Last evaluated 2024-12-20.

Conditions:
Inborn genetic diseases. Identifiers: MedGen C0950123, MeSH D030342.

Allele frequency attached by ClinVar (database versions not stated): TOPMed below 0.00001.
gnomAD v4.1: 2 of 1,613,816 alleles (0.00012%); highest among the groups gnomAD compares: Non-Finnish European, 0.00017%; no homozygotes.

Submissions (2):

Ambry Genetics
Classification: Uncertain significance for Inborn genetic diseases. Last evaluated: 2024-12-20. Review status: criteria provided, single submitter. Criteria: Ambry Variant Classification Scheme 2023. Collection method: clinical testing. Allele origin: germline.
Comment: The p.Q679L variant (also known as c.2036A>T), located in coding exon 20 of the ANKRD26 gene, results from an A to T substitution at nucleotide position 2036. The glutamine at codon 679 is replaced by leucine, an amino acid with dissimilar properties. This amino acid position is conserved. In addition, this alteration is predicted to be tolerated by in silico analysis. Based on the available evidence, the clinical significance of this variant remains unclear.

Labcorp Genetics (formerly Invitae), Labcorp
Classification: Uncertain significance. Last evaluated: 2023-01-17. Review status: criteria provided, single submitter. Criteria: Invitae Variant Classification Sherloc (09022015). Collection method: clinical testing. Allele origin: germline.
Comment: In summary, the available evidence is currently insufficient to determine the role of this variant in disease. Therefore, it has been classified as a Variant of Uncertain Significance. Algorithms developed to predict the effect of missense changes on protein structure and function (SIFT, PolyPhen-2, Align-GVGD) all suggest that this variant is likely to be tolerated. This variant has not been reported in the literature in individuals affected with ANKRD26-related conditions. This variant is not present in population databases (gnomAD no frequency). This sequence change replaces glutamine, which is neutral and polar, with leucine, which is neutral and non-polar, at codon 679 of the ANKRD26 protein (p.Gln679Leu).

NM_014915.3(ANKRD26):c.2036A>T (p.Gln679Leu)

Gene: ANKRD26 (ankyrin repeat domain 26; minus strand). Cytogenetic location: 10p12.1.
Variant type: single nucleotide variant.
Coding change: c.2036A>T on transcript NM_014915.3 (MANE Select); coding-DNA position 2036, A replaced by T.
Protein change: p.Gln679Leu; replaces glutamine 679 with leucine.
Molecular consequence: missense variant.
Genome position (GRCh38, 1-based): chr10:27,043,551, T>A on the plus strand (A>T on the coding strand, the complement: ANKRD26 is on the minus strand). VCF-style: chr10-27043551-T-A. GRCh37 (hg19) VCF-style: chr10-27332480-T-A.
Other names: c.2033A>T, p.Gln678Leu (NM_001256053.2); short protein forms Q678L, Q679L.
Identifiers: ClinVar variation 2893781 (VCV002893781.4), dbSNP rs2054336401, ClinGen allele CA376368977.